The following is an entry in ClinVar:

ClinVar aggregate classification (germline): Uncertain significance (1 of 4 stars; one submission).

Allele frequency attached by ClinVar (database versions not stated): gnomAD exomes below 0.00001.
gnomAD v4.1: 1 of 1,612,436 alleles (0.000062%); highest among the groups gnomAD compares: Non-Finnish European, 0.000085%; no homozygotes.

Submission:

Labcorp Genetics (formerly Invitae), Labcorp
Classification: Uncertain significance. Last evaluated: 2024-02-19. Review status: criteria provided, single submitter. Criteria: Invitae Variant Classification Sherloc (09022015). Collection method: clinical testing. Allele origin: germline.
Comment: This sequence change replaces asparagine, which is neutral and polar, with serine, which is neutral and polar, at codon 363 of the ERBB4 protein (p.Asn363Ser). This variant is not present in population databases (gnomAD no frequency). This variant has not been reported in the literature in individuals affected with ERBB4-related conditions. ClinVar contains an entry for this variant (Variation ID: 1488288). Advanced modeling of protein sequence and biophysical properties (such as structural, functional, and spatial information, amino acid conservation, physicochemical variation, residue mobility, and thermodynamic stability) performed at Invitae indicates that this missense variant is not expected to disrupt ERBB4 protein function with a negative predictive value of 80%. In summary, the available evidence is currently insufficient to determine the role of this variant in disease. Therefore, it has been classified as a Variant of Uncertain Significance.

NM_005235.3(ERBB4):c.1088A>G (p.Asn363Ser)

Gene: ERBB4 (erb-b2 receptor tyrosine kinase 4; minus strand). Cytogenetic location: 2q34.
Variant type: single nucleotide variant.
Coding change: c.1088A>G on transcript NM_005235.3 (MANE Select); coding-DNA position 1088, A replaced by G.
Protein change: p.Asn363Ser; replaces asparagine 363 with serine.
Molecular consequence: missense variant.
Genome position (GRCh38, 1-based): chr2:211,712,086, T>C on the plus strand (A>G on the coding strand, the complement: ERBB4 is on the minus strand). VCF-style: chr2-211712086-T-C. GRCh37 (hg19) VCF-style: chr2-212576811-T-C.
Other names: c.1088A>G, p.Asn363Ser (NM_001042599.2); short protein forms N363S.
Identifiers: ClinVar variation 1488288 (VCV001488288.8), dbSNP rs2106080844, ClinGen allele CA350443396.